The following is an entry in ClinVar:

ClinVar aggregate classification (germline): Uncertain significance. Review status: criteria provided, multiple submitters, no conflicts (2 of 4 stars). 2 submissions from 2 submitters: Uncertain significance (2). Last evaluated 2024-05-19.

Conditions:
Cognitive impairment - coarse facies - heart defects - obesity - pulmonary involvement - short stature - skeletal dysplasia syndrome. Also called: COGNITIVE IMPAIRMENT, COARSE FACIES, HEART DEFECTS, OBESITY, PULMONARY INVOLVEMENT, SHORT STATURE, AND SKELETAL DYSPLASIA; Chops syndrome; AFF4-Related CHOPS Syndrome. Identifiers: Orphanet 444077, MedGen C4085597, MONDO:0014609, OMIM 616368.
Inborn genetic diseases. Identifiers: MedGen C0950123, MeSH D030342.

Allele frequency attached by ClinVar (database versions not stated): gnomAD exomes below 0.00001; TOPMed 0.00002; gnomAD 0.00003.
gnomAD v4.1: 9 of 1,614,016 alleles (0.00056%); highest among the groups gnomAD compares: African/African-American, 0.0093%; no homozygotes.

Submissions (2):

Labcorp Genetics (formerly Invitae), Labcorp
Classification: Uncertain significance for Cognitive impairment - coarse facies - heart defects - obesity - pulmonary involvement - short stature - skeletal dysplasia syndrome. Last evaluated: 2024-05-19. Review status: criteria provided, single submitter. Criteria: Invitae Variant Classification Sherloc (09022015). Collection method: clinical testing. Allele origin: germline.
Comment: This sequence change replaces histidine, which is basic and polar, with arginine, which is basic and polar, at codon 416 of the AFF4 protein (p.His416Arg). This variant is present in population databases (no rsID available, gnomAD 0.007%). This variant has not been reported in the literature in individuals affected with AFF4-related conditions. ClinVar contains an entry for this variant (Variation ID: 2331313). Advanced modeling of protein sequence and biophysical properties (such as structural, functional, and spatial information, amino acid conservation, physicochemical variation, residue mobility, and thermodynamic stability) performed at Invitae indicates that this missense variant is not expected to disrupt AFF4 protein function with a negative predictive value of 80%. In summary, the available evidence is currently insufficient to determine the role of this variant in disease. Therefore, it has been classified as a Variant of Uncertain Significance.

Ambry Genetics
Classification: Uncertain significance for Inborn genetic diseases. Last evaluated: 2022-12-01. Review status: criteria provided, single submitter. Criteria: Ambry Variant Classification Scheme 2023. Collection method: clinical testing. Allele origin: germline.

NM_014423.4(AFF4):c.1247A>G (p.His416Arg)

Gene: AFF4 (ALF transcription elongation factor 4; minus strand). Cytogenetic location: 5q31.1.
Variant type: single nucleotide variant.
Coding change: c.1247A>G on transcript NM_014423.4 (MANE Select); coding-DNA position 1247, A replaced by G.
Protein change: p.His416Arg; replaces histidine 416 with arginine.
Molecular consequence: missense variant.
Genome position (GRCh38, 1-based): chr5:132,898,372, T>C on the plus strand (A>G on the coding strand, the complement: AFF4 is on the minus strand). VCF-style: chr5-132898372-T-C. GRCh37 (hg19) VCF-style: chr5-132234064-T-C.
Other names: short protein forms H416R.
Identifiers: ClinVar variation 2331313 (VCV002331313.4), dbSNP rs1213428734, ClinGen allele CA360942084.